The following is an entry in ClinVar:

NM_000238.4(KCNH2):c.908C>G (p.Ala303Gly)

Gene: KCNH2 (potassium voltage-gated channel subfamily H member 2; minus strand). Cytogenetic location: 7q36.1.
Variant type: single nucleotide variant.
Coding change: c.908C>G on transcript NM_000238.4 (MANE Select); coding-DNA position 908, C replaced by G.
Protein change: p.Ala303Gly; replaces alanine 303 with glycine.
Molecular consequence: missense variant.
Genome position (GRCh38, 1-based): chr7:150,958,067, G>C on the plus strand (C>G on the coding strand, the complement: KCNH2 is on the minus strand). VCF-style: chr7-150958067-G-C. GRCh37 (hg19) VCF-style: chr7-150655155-G-C.
Other names: c.620C>G, p.Ala207Gly (NM_001406753.1, NM_001406756.1); c.731C>G, p.Ala244Gly (NM_001406755.1); c.608C>G, p.Ala203Gly (NM_001406757.1); c.908C>G, p.Ala303Gly (NM_172056.3); short protein forms A303G, A207G, A203G, A244G.
Identifiers: ClinVar variation 957218 (VCV000957218.10), dbSNP rs1165306519, ClinGen allele CA369862065.

ClinVar aggregate classification (germline): Uncertain significance (1 of 4 stars; one submission).

Conditions:
Long QT syndrome (LQTS). Identifiers: MedGen C0023976, MeSH D008133, MONDO:0002442. Disease mechanism: loss of function. Inheritance: Various modes of inheritance.

Allele frequency attached by ClinVar (database versions not stated): TOPMed 0.00001.
gnomAD v4.1: 1 of 1,276,112 alleles (0.000078%); highest among the groups gnomAD compares: African/African-American, 0.0016%; no homozygotes.

Submission:

Labcorp Genetics (formerly Invitae), Labcorp
Classification: Uncertain significance for Long QT syndrome. Last evaluated: 2022-01-06. Review status: criteria provided, single submitter. Criteria: Invitae Variant Classification Sherloc (09022015). Collection method: clinical testing. Allele origin: germline.
Comment: This variant has not been reported in the literature in individuals affected with KCNH2-related conditions. In summary, the available evidence is currently insufficient to determine the role of this variant in disease. Therefore, it has been classified as a Variant of Uncertain Significance. Algorithms developed to predict the effect of missense changes on protein structure and function (SIFT, PolyPhen-2, Align-GVGD) all suggest that this variant is likely to be tolerated. ClinVar contains an entry for this variant (Variation ID: 957218). This variant is not present in population databases (gnomAD no frequency). This sequence change replaces alanine, which is neutral and non-polar, with glycine, which is neutral and non-polar, at codon 303 of the KCNH2 protein (p.Ala303Gly).